The following is an entry in ClinVar:

NM_201384.3(PLEC):c.7276_7278del (p.Glu2426del)

Gene: PLEC (plectin; minus strand). Cytogenetic location: 8q24.3.
Variant type: Deletion.
Coding change: c.7276_7278del on transcript NM_201384.3 (MANE Select); coding-DNA positions 7276 to 7278, 3 bases deleted (GAG; older notation c.7276_7278delGAG).
Protein change: p.Glu2426del; deletes glutamic acid 2426.
Molecular consequence: inframe deletion.
Genome position (GRCh38, 1-based): chr8:143,922,651-143,922,653, CTC deleted on the plus strand (GAG on the coding strand, the reverse complement: PLEC is on the minus strand); deleting any 3 consecutive bases within chr8:143,922,651-143,922,655 gives the same sequence; the c. name uses the placement nearest the transcript's 3' end. VCF-style (leftmost placement, unchanged base first): chr8-143922650-TCTC-T. GRCh37 (hg19) VCF-style: chr8-144996818-TCTC-T.
Other names: c.7357_7359del, p.Glu2453del (NM_000445.5); c.7234_7236del, p.Glu2412del (NM_201378.4); c.7210_7212del, p.Glu2404del (NM_201379.3); c.7687_7689del, p.Glu2563del (NM_201380.4); c.7180_7182del, p.Glu2394del (NM_201381.3); c.7276_7278del, p.Glu2426del (NM_201382.4); c.7288_7290del, p.Glu2430del (NM_201383.3); short protein forms E2453del, E2426del, E2563del, E2394del, E2404del, E2412del, E2430del.
Identifiers: ClinVar variation 847871 (VCV000847871.7), dbSNP rs1823256302, ClinGen allele CA916083017.

ClinVar aggregate classification (germline): Uncertain significance (1 of 4 stars; one submission).

Conditions:
Autosomal recessive limb-girdle muscular dystrophy type 2Q (LGMDR17). Also called: MUSCULAR DYSTROPHY, LIMB-GIRDLE, AUTOSOMAL RECESSIVE 17. Identifiers: Orphanet 254361, MedGen C3150989, MONDO:0013390, OMIM 613723.
Epidermolysis bullosa simplex 5B, with muscular dystrophy (EBS5B). Also called: Epidermolysis bullosa simplex with muscular dystrophy; EPIDERMOLYSIS BULLOSA SIMPLEX AND LIMB-GIRDLE MUSCULAR DYSTROPHY. Identifiers: Orphanet 257, MedGen C2931072, MONDO:0009181, OMIM 226670.
Epidermolysis bullosa simplex, Ogna type (EBS5A). Also called: Pidermolysis bullosa simplex 5A, Ogna type; EPIDERMOLYSIS BULLOSA SIMPLEX 5A, OGNA TYPE. Identifiers: Orphanet 79401, MedGen C0432317, MONDO:0007555, OMIM 131950.
Epidermolysis bullosa simplex 5C, with pyloric atresia (EBS5C). Also called: PLEC1-Related Epidermolysis Bullosa with Pyloric Atresia; Epidermolysis bullosa simplex with pyloric atresia; PLEC-Related Epidermolysis Bullosa with Pyloric Atresia. Identifiers: Orphanet 158684, MedGen C2677349, MONDO:0012807, OMIM 612138.
Epidermolysis bullosa simplex with nail dystrophy (EBS5D). Identifiers: MedGen C4225309, MONDO:0014661, OMIM 616487.

Submission:

Labcorp Genetics (formerly Invitae), Labcorp
Classification: Uncertain significance for Autosomal recessive limb-girdle muscular dystrophy type 2Q; Epidermolysis bullosa simplex, Ogna type; Epidermolysis bullosa simplex with nail dystrophy; Epidermolysis bullosa simplex 5C, with pyloric atresia; Epidermolysis bullosa simplex 5B, with muscular dystrophy. Last evaluated: 2019-04-09. Review status: criteria provided, single submitter. Criteria: Invitae Variant Classification Sherloc (09022015). Collection method: clinical testing. Allele origin: germline.
Comment: This variant, c.7357_7359del, results in the deletion of 1 amino acid of the PLEC protein (p.Glu2453del), but otherwise preserves the integrity of the reading frame. This variant is not present in population databases (ExAC no frequency). This variant has not been reported in the literature in individuals with PLEC-related conditions. Experimental studies and prediction algorithms are not available for this variant, and the functional significance of the affected amino acid is currently unknown. In summary, the available evidence is currently insufficient to determine the role of this variant in disease. Therefore, it has been classified as a Variant of Uncertain Significance.